The following is an entry in ClinVar:

ClinVar aggregate classification (germline): Uncertain significance (1 of 4 stars; one submission).

Conditions:
Early Myoclonic Encephalopathy. Identifiers: MedGen C0270855.

Allele frequency attached by ClinVar (database versions not stated): gnomAD exomes below 0.00001.
gnomAD v4.1: 4 of 1,587,668 alleles (0.00025%); highest among the groups gnomAD compares: Non-Finnish European, 0.00034%; no homozygotes.

Submission:

Labcorp Genetics (formerly Invitae), Labcorp
Classification: Uncertain significance for Early Myoclonic Encephalopathy. Last evaluated: 2020-03-20. Review status: criteria provided, single submitter. Criteria: Invitae Variant Classification Sherloc (09022015). Collection method: clinical testing. Allele origin: germline.
Comment: This sequence change replaces serine with glycine at codon 1690 of the JMJD1C protein (p.Ser1690Gly). The serine residue is moderately conserved and there is a small physicochemical difference between serine and glycine. This variant is not present in population databases (ExAC no frequency). This variant has not been reported in the literature in individuals with JMJD1C-related conditions. Algorithms developed to predict the effect of missense changes on protein structure and function (SIFT, PolyPhen-2, Align-GVGD) all suggest that this variant is likely to be tolerated, but these predictions have not been confirmed by published functional studies and their clinical significance is uncertain. In summary, the available evidence is currently insufficient to determine the role of this variant in disease. Therefore, it has been classified as a Variant of Uncertain Significance.

NM_032776.3(JMJD1C):c.5068A>G (p.Ser1690Gly)

Gene: JMJD1C (jumonji domain containing 1C; minus strand). Cytogenetic location: 10q21.3.
Variant type: single nucleotide variant.
Coding change: c.5068A>G on transcript NM_032776.3 (MANE Select); coding-DNA position 5068, A replaced by G.
Protein change: p.Ser1690Gly; replaces serine 1690 with glycine.
Molecular consequence: missense variant. On other transcripts: non-coding transcript variant (1).
Genome position (GRCh38, 1-based): chr10:63,206,601, T>C on the plus strand (A>G on the coding strand, the complement: JMJD1C is on the minus strand). VCF-style: chr10-63206601-T-C. GRCh37 (hg19) VCF-style: chr10-64966361-T-C.
Other names: c.4522A>G, p.Ser1508Gly (NM_001282948.2, NM_001318154.2); c.4204A>G, p.Ser1402Gly (NM_001318153.2); c.4954A>G, p.Ser1652Gly (NM_001322252.2); c.4411A>G, p.Ser1471Gly (NM_001322254.2, NM_001322258.2); short protein forms S1402G, S1471G, S1508G, S1652G, S1690G.
Identifiers: ClinVar variation 1060176 (VCV001060176.9), dbSNP rs1589145101, ClinGen allele CA377035232.